The following is an entry in ClinVar:

ClinVar aggregate classification (germline): Likely benign. Review status: criteria provided, multiple submitters, no conflicts (2 of 4 stars). 3 submissions from 3 submitters: Likely benign (3). Last evaluated 2025-10-15.

Conditions:
EYS-related disorder. Also called: EYS-related condition.

Allele frequency attached by ClinVar (database versions not stated): ExAC 0.00001; gnomAD exomes 0.00001.
gnomAD v4.1: 15 of 1,574,806 alleles (0.00095%); highest among the groups gnomAD compares: Non-Finnish European, 0.0013%; no homozygotes.

Submissions (3):

PreventionGenetics, part of Exact Sciences
Classification: Likely benign for EYS-related condition. Last evaluated: 2025-10-15. Review status: criteria provided, single submitter. Criteria: ACMG Guidelines, 2015. Collection method: clinical testing. Allele origin: germline.
Comment: This variant is classified as likely benign based on ACMG/AMP sequence variant interpretation guidelines (Richards et al. 2015 PMID: 25741868, with internal and published modifications).

Labcorp Genetics (formerly Invitae), Labcorp
Classification: Likely benign. Last evaluated: 2024-01-25. Review status: criteria provided, single submitter. Criteria: Invitae Variant Classification Sherloc (09022015). Collection method: clinical testing. Allele origin: germline.

Blueprint Genetics
Classification: Likely benign. Last evaluated: 2021-08-17. Review status: criteria provided, single submitter. Criteria: ACMG Guidelines, 2015. Collection method: clinical testing. Allele origin: germline.

NM_001142800.2(EYS):c.1110T>C (p.Ile370=)

Gene: EYS (EGF-like photoreceptor maintenance factor; minus strand). Cytogenetic location: 6q12.
Variant type: single nucleotide variant.
Coding change: c.1110T>C on transcript NM_001142800.2 (MANE Select); coding-DNA position 1110, T replaced by C.
Protein change: p.Ile370=; no amino-acid change (isoleucine 370 retained).
Molecular consequence: synonymous variant.
Genome position (GRCh38, 1-based): chr6:65,402,552, A>G on the plus strand (T>C on the coding strand, the complement: EYS is on the minus strand). VCF-style: chr6-65402552-A-G. GRCh37 (hg19) VCF-style: chr6-66112445-A-G.
Other names: c.1110T>C, p.Ile370= (NM_001142801.2, NM_001292009.2, NM_198283.2); c.1110T>C (NM_001142800.1).
Identifiers: ClinVar variation 1106994 (VCV001106994.11), dbSNP rs752062916, ClinGen allele CA3877863.